The following is an entry in ClinVar:

NM_002460.4(IRF4):c.620G>A (p.Gly207Asp)

Gene: IRF4 (interferon regulatory factor 4; plus strand). Cytogenetic location: 6p25.3.
Variant type: single nucleotide variant.
Coding change: c.620G>A on transcript NM_002460.4 (MANE Select); coding-DNA position 620, G replaced by A.
Protein change: p.Gly207Asp; replaces glycine 207 with aspartic acid.
Molecular consequence: missense variant. On other transcripts: non-coding transcript variant (1).
Genome position (GRCh38, 1-based): chr6:397,235, G>A. VCF-style: chr6-397235-G-A. GRCh37 (hg19) VCF-style: chr6-397235-G-A.
Other names: c.617G>A, p.Gly206Asp (NM_001195286.2); short protein forms G206D, G207D.
Identifiers: ClinVar variation 2834895 (VCV002834895.3), dbSNP rs1761289123, ClinGen allele CA362547673.

ClinVar aggregate classification (germline): Uncertain significance (1 of 4 stars; one submission).

Submission:

Labcorp Genetics (formerly Invitae), Labcorp
Classification: Uncertain significance. Last evaluated: 2023-04-27. Review status: criteria provided, single submitter. Criteria: Invitae Variant Classification Sherloc (09022015). Collection method: clinical testing. Allele origin: germline.
Comment: This sequence change replaces glycine, which is neutral and non-polar, with aspartic acid, which is acidic and polar, at codon 207 of the IRF4 protein (p.Gly207Asp). This variant is not present in population databases (gnomAD no frequency). This variant has not been reported in the literature in individuals affected with IRF4-related conditions. An algorithm developed to predict the effect of missense changes on protein structure and function (PolyPhen-2) suggests that this variant is likely to be tolerated. In summary, the available evidence is currently insufficient to determine the role of this variant in disease. Therefore, it has been classified as a Variant of Uncertain Significance.